The following is an entry in ClinVar:

NM_001458.5(FLNC):c.851-4G>A

Gene: FLNC (filamin C; plus strand). Cytogenetic location: 7q32.1.
Variant type: single nucleotide variant.
Coding change: c.851-4G>A on transcript NM_001458.5 (MANE Select); 4 bases into the intron before coding-DNA position 851, G replaced by A.
Molecular consequence: intron variant.
Genome position (GRCh38, 1-based): chr7:128,837,633, G>A. VCF-style: chr7-128837633-G-A. GRCh37 (hg19) VCF-style: chr7-128477687-G-A.
Other names: c.851-4G>A (NM_001127487.2).
Identifiers: ClinVar variation 772832 (VCV000772832.30), dbSNP rs372747855, ClinGen allele CA4474152.

ClinVar aggregate classification (germline): Conflicting classifications of pathogenicity. Review status: criteria provided, conflicting classifications (1 of 4 stars). 6 submissions from 6 submitters: Uncertain significance (1); Likely benign (5). Last evaluated 2025-10-21.

Conditions:
FLNC-related disorder. Also called: FLNC-related condition; FLNC-related disorders.
Hypertrophic cardiomyopathy 26. Also called: Cardiomyopathy, familial hypertrophic, 26. Identifiers: Orphanet 75249, MedGen C4310749, MONDO:0014883, OMIM 617047.
Distal myopathy with posterior leg and anterior hand involvement. Also called: WILLIAMS DISTAL MYOPATHY. Identifiers: Orphanet 63273, MedGen C3279722, MONDO:0013550, OMIM 614065.
Myofibrillar myopathy 5. Also called: Filaminopathy (type); FILAMINOPATHY, AUTOSOMAL DOMINANT. Identifiers: Orphanet 171445, MedGen C1836050, MONDO:0012289, OMIM 609524.
Cardiovascular phenotype. Identifiers: MedGen CN230736.
Cardiomyopathy (CMYO). Also called: Cardiomyopathies. Identifiers: Orphanet 167848, MedGen C0878544, MONDO:0004994, HP:0001638. Inheritance: Various modes of inheritance.

Allele frequency attached by ClinVar (database versions not stated): ESP Exome Variant Server 0.00008; TOPMed 0.00009.
gnomAD v4.1: 55 of 1,612,420 alleles (0.0034%); highest among the groups gnomAD compares: African/African-American, 0.016%; no homozygotes.

Submissions (6):

Labcorp Genetics (formerly Invitae), Labcorp
Classification: Likely benign for Distal myopathy with posterior leg and anterior hand involvement; Myofibrillar myopathy 5; Hypertrophic cardiomyopathy 26. Last evaluated: 2025-10-21. Review status: criteria provided, single submitter. Criteria: Invitae Variant Classification Sherloc (09022015). Collection method: clinical testing. Allele origin: germline.

PreventionGenetics, part of Exact Sciences
Classification: Likely benign for FLNC-related condition. Last evaluated: 2025-04-15. Review status: criteria provided, single submitter. Criteria: ACMG Guidelines, 2015. Collection method: clinical testing. Allele origin: germline.
Comment: This variant is classified as likely benign based on ACMG/AMP sequence variant interpretation guidelines (Richards et al. 2015 PMID: 25741868, with internal and published modifications).

Blueprint Genetics
Classification: Likely benign. Last evaluated: 2024-04-10. Review status: criteria provided, single submitter. Criteria: ACMG Guidelines, 2015. Collection method: clinical testing. Allele origin: germline.

CHEO Genetics Diagnostic Laboratory, Children's Hospital of Eastern Ontario
Classification: Uncertain significance for Cardiomyopathy. Last evaluated: 2023-06-07. Review status: criteria provided, single submitter. Criteria: ACMG Guidelines, 2015. Collection method: clinical testing. Allele origin: germline.

Ambry Genetics
Classification: Likely benign for Cardiovascular phenotype. Last evaluated: 2022-03-25. Review status: criteria provided, single submitter. Criteria: Ambry Variant Classification Scheme 2023. Collection method: clinical testing. Allele origin: germline.

GeneDx
Classification: Likely benign. Last evaluated: 2020-10-21. Review status: criteria provided, single submitter. Criteria: GeneDx Variant Classification Process June 2021. Collection method: clinical testing. Allele origin: germline. Affected: yes.